The following is an entry in ClinVar:

ClinVar aggregate classification (germline): Uncertain significance. Review status: criteria provided, multiple submitters, no conflicts (2 of 4 stars). 2 submissions from 2 submitters: Uncertain significance (2). Last evaluated 2025-04-01.

Conditions:
Mitochondrial trifunctional protein deficiency. Identifiers: Orphanet 746, MedGen C1969443, MONDO:0012172.
Long chain 3-hydroxyacyl-CoA dehydrogenase deficiency. Also called: Deficiency of long-chain 3-hydroxyacyl-coenzyme A dehydrogenase; LCHAD Deficiency. Identifiers: Orphanet 5, MedGen C3711645, MONDO:0012173, OMIM 609016.
Inborn genetic diseases. Identifiers: MedGen C0950123, MeSH D030342.

gnomAD v4.1: 2 of 1,611,266 alleles (0.00012%); highest among the groups gnomAD compares: Non-Finnish European, 0.00017%; no homozygotes.

Submissions (2):

Ambry Genetics
Classification: Uncertain significance for Inborn genetic diseases. Last evaluated: 2025-04-01. Review status: criteria provided, single submitter. Criteria: Ambry Variant Classification Scheme 2023. Collection method: clinical testing. Allele origin: germline.

Labcorp Genetics (formerly Invitae), Labcorp
Classification: Uncertain significance for Mitochondrial trifunctional protein deficiency; Long chain 3-hydroxyacyl-CoA dehydrogenase deficiency. Last evaluated: 2022-05-19. Review status: criteria provided, single submitter. Criteria: Invitae Variant Classification Sherloc (09022015). Collection method: clinical testing. Allele origin: germline.
Comment: This sequence change replaces arginine, which is basic and polar, with lysine, which is basic and polar, at codon 187 of the HADHA protein (p.Arg187Lys). This variant is present in population databases (rs146667859, gnomAD 0.002%). This variant has not been reported in the literature in individuals affected with HADHA-related conditions. Algorithms developed to predict the effect of missense changes on protein structure and function (SIFT, PolyPhen-2, Align-GVGD) all suggest that this variant is likely to be tolerated. In summary, the available evidence is currently insufficient to determine the role of this variant in disease. Therefore, it has been classified as a Variant of Uncertain Significance.

NM_000182.5(HADHA):c.560G>A (p.Arg187Lys)

Gene: HADHA (hydroxyacyl-CoA dehydrogenase trifunctional multienzyme complex subunit alpha; minus strand). Cytogenetic location: 2p23.3.
Variant type: single nucleotide variant.
Coding change: c.560G>A on transcript NM_000182.5 (MANE Select); coding-DNA position 560, G replaced by A.
Protein change: p.Arg187Lys; replaces arginine 187 with lysine.
Molecular consequence: missense variant.
Genome position (GRCh38, 1-based): chr2:26,232,173, C>T on the plus strand (G>A on the coding strand, the complement: HADHA is on the minus strand). VCF-style: chr2-26232173-C-T. GRCh37 (hg19) VCF-style: chr2-26455041-C-T.
Other names: c.560G>A (NM_000182.4); short protein forms R187K.
Identifiers: ClinVar variation 2165817 (VCV002165817.2), dbSNP rs146667859, ClinGen allele CA1559862.
Genomic context (GRCh38, chr2:26,232,173, plus strand): 5'-AGATCTAAAGAGGGCATATAGCTTCACAAAGGGGATGTTAGACTCACCATTTTGGGCAGC[C>T]TTTGTGTGCCTCCTGCTCCTGGTAAGGCCCCCAGCAAAACTTCAGGGGTACCTAATACTG-3'
Protein context (NP_000173.2, residues 177-197): GALPGAGGTQ[Arg187Lys]LPKMVGVPAA